The following is an entry in ClinVar:

ClinVar aggregate classification (germline): Benign/Likely benign. Review status: criteria provided, multiple submitters, no conflicts (2 of 4 stars). 13 submissions from 13 submitters: Benign (6); Likely benign (5). 2 of the submissions do not count toward it. Last evaluated 2026-02-04.

Conditions:
Sitosterolemia (STSL). Also called: PHYTOSTEROLEMIA. Identifiers: Orphanet 2882, MedGen C0342907, MONDO:0008863.
Sitosterolemia 1. Identifiers: MedGen C2749759, MONDO:0020747, OMIM 210250.
Cardiovascular phenotype. Identifiers: MedGen CN230736.

Allele frequency attached by ClinVar (database versions not stated): gnomAD exomes 0.20748 and 0.17638; gnomAD 0.21159 and 0.21240; 1000 Genomes Project 30x 0.24266; TOPMed 0.22647; ExAC 0.20968; ESP Exome Variant Server 0.21029; 1000 Genomes Project 0.24002.
gnomAD v4.1: 290,088 of 1,612,154 alleles (18%); highest among the groups gnomAD compares: Admixed American, 33%; 28,676 homozygotes.

Submissions (13):

Labcorp Genetics (formerly Invitae), Labcorp
Classification: Likely benign for Sitosterolemia. Last evaluated: 2026-02-04. Review status: criteria provided, single submitter. Criteria: Invitae Variant Classification Sherloc (09022015). Collection method: clinical testing. Allele origin: germline.

Mayo Clinic Laboratories, Mayo Clinic
Classification: Likely benign. Last evaluated: 2025-12-17. Review status: criteria provided, single submitter. Criteria: ACMG Guidelines, 2015. Collection method: clinical testing. Allele origin: germline. Observed: 825 variant alleles.
Comment: BA1, BS2, BP4, PM1_supporting

Molecular Diagnostic Laboratory for Inherited Cardiovascular Disease, Montreal Heart Institute
Classification: Benign. Last evaluated: 2025-04-09. Review status: criteria provided, single submitter. Criteria: ACMG Guidelines, 2015. Collection method: clinical testing. Allele origin: germline. Affected: no.

Blueprint Genetics
Classification: Likely benign. Last evaluated: 2024-11-26. Review status: criteria provided, single submitter. Criteria: ACMG Guidelines, 2015. Collection method: clinical testing. Allele origin: germline.

Women's Health and Genetics/Laboratory Corporation of America, LabCorp
Classification: Likely benign. Last evaluated: 2023-04-04. Review status: criteria provided, single submitter. Criteria: LabCorp Variant Classification Summary - May 2015. Collection method: clinical testing. Allele origin: germline.

Mendelics
Classification: Benign for Sitosterolemia 1. Last evaluated: 2019-05-28. Review status: criteria provided, single submitter. Criteria: Mendelics Assertion Criteria 2017. Collection method: clinical testing. Allele origin: unknown.

Ambry Genetics
Classification: Benign for Cardiovascular phenotype. Last evaluated: 2018-12-03. Review status: criteria provided, single submitter. Criteria: Ambry Variant Classification Scheme 2023. Collection method: clinical testing. Allele origin: germline.

GeneDx
Classification: Benign. Last evaluated: 2018-07-05. Review status: criteria provided, single submitter. Criteria: GeneDx Variant Classification Process June 2021. Collection method: clinical testing. Allele origin: germline. Affected: yes.
Comment: This variant is associated with the following publications: (PMID: 12220438, 17827468, 20543520)

Illumina Laboratory Services, Illumina
Classification: Benign for Sitosterolemia 1. Last evaluated: 2018-03-06. Review status: criteria provided, single submitter. Criteria: ICSL Variant Classification Criteria 13 December 2019. Collection method: clinical testing. Allele origin: germline.
Comment: This variant was observed in the ICSL laboratory as part of a predisposition screen in an ostensibly healthy population. It had not been previously curated by ICSL or reported in the Human Gene Mutation Database (HGMD: prior to June 1st, 2018), and was therefore a candidate for classification through an automated scoring system. Utilizing variant allele frequency, disease prevalence and penetrance estimates, and inheritance mode, an automated score was calculated to assess if this variant is too frequent to cause the disease. Based on the score and internal cut-off values, a variant classified as benign is not then subjected to further curation. The score for this variant resulted in a classification of benign for this disease.

Eurofins Ntd Llc (ga)
Classification: Benign. Last evaluated: 2017-01-24. Review status: criteria provided, single submitter. Criteria: EGL Classification Definitions 2015. Collection method: clinical testing. Allele origin: germline. Observed: 1 variant allele, 1 heterozygote.

Breakthrough Genomics
Classification: Likely benign. Review status: criteria provided, single submitter. Criteria: ACMG Guidelines, 2015. Collection method: not provided. Allele origin: germline. Inheritance: Autosomal recessive inheritance. Affected: yes.

Clinical Genetics, Academic Medical Center
Classification: Benign. Review status: no assertion criteria provided. Collection method: clinical testing. Allele origin: germline. Affected: yes. Study: VKGL Data-share Consensus. Not counted in ClinVar's aggregate classification.

Joint Genome Diagnostic Labs from Nijmegen and Maastricht, Radboudumc and MUMC+
Classification: Benign. Review status: no assertion criteria provided. Collection method: clinical testing. Allele origin: germline. Affected: yes. Study: VKGL Data-share Consensus. Not counted in ClinVar's aggregate classification.

NM_022436.3(ABCG5):c.1810C>G (p.Gln604Glu)

Genes: ABCG5 (ATP binding cassette subfamily G member 5; minus strand), DYNC2LI1 (dynein cytoplasmic 2 light intermediate chain 1; plus strand). Cytogenetic location: 2p21.
Variant type: single nucleotide variant.
Coding change: c.1810C>G on transcript NM_022436.3 (MANE Select); coding-DNA position 1810, C replaced by G.
Protein change: p.Gln604Glu; replaces glutamine 604 with glutamic acid.
Molecular consequence: missense variant. On other transcripts: intron variant (2).
Genome position (GRCh38, 1-based): chr2:43,813,262, G>C on the plus strand (C>G on the coding strand, the complement: ABCG5 is on the minus strand). VCF-style: chr2-43813262-G-C. GRCh37 (hg19) VCF-style: chr2-44040401-G-C.
Other names: c.*15+2738G>C (NM_001348913.2, NM_001348912.2); short protein forms Q604E.
Identifiers: ClinVar variation 336036 (VCV000336036.31), dbSNP rs6720173, ClinGen allele CA1636145.